The following is an entry in ClinVar:

NM_000051.4(ATM):c.4838G>C (p.Gly1613Ala)

Gene: ATM (ATM serine/threonine kinase; plus strand). Cytogenetic location: 11q22.3.
Variant type: single nucleotide variant.
Coding change: c.4838G>C on transcript NM_000051.4 (MANE Select); coding-DNA position 4838, G replaced by C.
Protein change: p.Gly1613Ala; replaces glycine 1613 with alanine.
Molecular consequence: missense variant.
Genome position (GRCh38, 1-based): chr11:108,294,988, G>C. VCF-style: chr11-108294988-G-C. GRCh37 (hg19) VCF-style: chr11-108165715-G-C.
Other names: c.4838G>C, p.Gly1613Ala (NM_001351834.2); short protein forms G1613A.
Identifiers: ClinVar variation 933753 (VCV000933753.9), dbSNP rs2083038889, ClinGen allele CA382536850.

ClinVar aggregate classification (germline): Uncertain significance (1 of 4 stars; one submission).

Conditions:
Ataxia-telangiectasia syndrome (AT). Also called: Ataxia-telangiectasia, complementation group D; Cerebello-oculocutaneous telangiectasia; Immunodeficiency with ataxia telangiectasia; LOUIS-BAR SYNDROME; Ataxia-telangiectasia; AT, COMPLEMENTATION GROUP C. Identifiers: Orphanet 100, MedGen C0004135, MONDO:0008840, OMIM 208900.

Submission:

Labcorp Genetics (formerly Invitae), Labcorp
Classification: Uncertain significance for Ataxia-telangiectasia syndrome. Last evaluated: 2019-07-04. Review status: criteria provided, single submitter. Criteria: Invitae Variant Classification Sherloc (09022015). Collection method: clinical testing. Allele origin: germline.
Comment: This sequence change replaces glycine with alanine at codon 1613 of the ATM protein (p.Gly1613Ala). The glycine residue is highly conserved and there is a small physicochemical difference between glycine and alanine. In summary, the available evidence is currently insufficient to determine the role of this variant in disease. Therefore, it has been classified as a Variant of Uncertain Significance. Algorithms developed to predict the effect of missense changes on protein structure and function are either unavailable or do not agree on the potential impact of this missense change (SIFT: "Tolerated"; PolyPhen-2: "Possibly Damaging"; Align-GVGD: "Class C0"). This variant has not been reported in the literature in individuals with ATM-related conditions. This variant is not present in population databases (ExAC no frequency).